The following is an entry in ClinVar:

NM_002691.4(POLD1):c.463G>A (p.Gly155Ser)

Gene: POLD1 (DNA polymerase delta 1, catalytic subunit; plus strand). Cytogenetic location: 19q13.33.
Variant type: single nucleotide variant.
Coding change: c.463G>A on transcript NM_002691.4 (MANE Select); coding-DNA position 463, G replaced by A.
Protein change: p.Gly155Ser; replaces glycine 155 with serine.
Molecular consequence: missense variant. On other transcripts: non-coding transcript variant (1).
Genome position (GRCh38, 1-based): chr19:50,401,924, G>A. VCF-style: chr19-50401924-G-A. GRCh37 (hg19) VCF-style: chr19-50905181-G-A.
Other names: c.463G>A, p.Gly155Ser (NM_001256849.1, NM_001308632.1); short protein forms G155S.
Identifiers: ClinVar variation 2743529 (VCV002743529.3), dbSNP rs2122235250, ClinGen allele CA406972801.

ClinVar aggregate classification (germline): Uncertain significance (1 of 4 stars; one submission).

Conditions:
POLD1-related polyposis and colorectal cancer syndrome (CRCS10). Also called: Colorectal cancer 10; Colorectal cancer, susceptibility to, 10; COLORECTAL CANCER, SUSCEPTIBILITY TO, ON CHROMOSOME 19q. Identifiers: Orphanet 220460, MedGen C2675481, MONDO:0012953, OMIM 612591.

Submission:

Labcorp Genetics (formerly Invitae), Labcorp
Classification: Uncertain significance for POLD1-related polyposis and colorectal cancer syndrome. Last evaluated: 2023-07-16. Review status: criteria provided, single submitter. Criteria: Invitae Variant Classification Sherloc (09022015). Collection method: clinical testing. Allele origin: germline.
Comment: This variant is not present in population databases (gnomAD no frequency). In summary, the available evidence is currently insufficient to determine the role of this variant in disease. Therefore, it has been classified as a Variant of Uncertain Significance. Variants that disrupt the consensus splice site are a relatively common cause of aberrant splicing (PMID: 17576681, 9536098). An algorithm developed to predict the effect of missense changes on protein structure and function (PolyPhen-2) suggests that this variant is likely to be disruptive. This variant has not been reported in the literature in individuals affected with POLD1-related conditions. This sequence change replaces glycine, which is neutral and non-polar, with serine, which is neutral and polar, at codon 155 of the POLD1 protein (p.Gly155Ser). This variant also falls at the last nucleotide of exon 4, which is part of the consensus splice site for this exon.

Literature cited by the submitters: PubMed 17576681; PubMed 9536098.